The following continues an entry in ClinVar:

NM_001276345.2(TNNT2):c.650AGA[3] (p.Lys220del)

Gene: TNNT2. ClinVar aggregate classification (germline): Pathogenic/Likely pathogenic. Pathogenic (21); Likely pathogenic (4).

Submissions 22 to 30 of 30:

Human Genome Sequencing Center Clinical Lab, Baylor College of Medicine
Classification: Pathogenic for Dilated cardiomyopathy 1D. Last evaluated: 2018-02-06. Review status: criteria provided, single submitter. Criteria: ACMG Guidelines, 2015. Collection method: clinical testing. Allele origin: germline.
Comment: The c.629_631delAGA (p.K210del) variant has been reported in multiple individuals with dilated cardiomyopathy (PMID: 1110678, 20978592, 15542288). In addition, experiential evidences has shown that the c.629_631delAGA (p.K210del) variant alters TNNT2 activity (PMID: 11773635, 12186860, 12923187, 14654368, 15623536). Therefore, we classify this variant as pathogenic.

Women's Health and Genetics/Laboratory Corporation of America, LabCorp
Classification: Pathogenic for Cardiovascular phenotype. Last evaluated: 2017-07-03. Review status: criteria provided, single submitter. Criteria: LabCorp Variant Classification Summary - May 2015. Collection method: clinical testing. Allele origin: germline.
Comment: Variant summary: The TNNT2 c.629_631delAGA (p.Lys210del) variant involves the deletion of three nucleotides, resulting in an in-frame deletion of a lysine residue. One in silico tool predicts a damaging outcome for this variant. This variant is absent from the large control database ExAC (0/122292 control chromosomes). The variant has been identified in numerous patients with dilated cardiomyopathy (e.g., Walsh_GIM_2017) and segregates with disease in families (e.g., Kamisago_NEJM_2000). Functional studies have shown an aberrant response and sensitivity to calcium ions compared to WT (Robinson_JBC_2002; Morimoto_PNAS_2002). In addition, multiple clinical diagnostic laboratories/reputable databases have classified this variant as pathogenic. Taken together, this variant is classified as pathogenic.

Stanford Center for Inherited Cardiovascular Disease, Stanford University
Classification: Pathogenic. Last evaluated: 2012-01-18. Review status: criteria provided, single submitter. Criteria: ACMG Guidelines, 2015. Collection method: provider interpretation. Allele origin: germline.

KTest Genetics, KTest
Classification: Pathogenic for Dilated cardiomyopathy 1D. Review status: criteria provided, single submitter. Criteria: ACMG Guidelines, 2015. Collection method: clinical testing. Allele origin: germline. Affected: yes.

OMIM
Classification: Pathogenic for CARDIOMYOPATHY, DILATED, 1D. Last evaluated: 2004-11-16. Review status: no assertion criteria provided. Collection method: literature only. Allele origin: germline. Not counted in ClinVar's aggregate classification.

Clinical Genetics DNA and cytogenetics Diagnostics Lab, Erasmus MC, Erasmus Medical Center
Classification: Pathogenic. Review status: no assertion criteria provided. Collection method: clinical testing. Allele origin: germline. Affected: yes. Study: VKGL Data-share Consensus. Not counted in ClinVar's aggregate classification.

Clinical Genetics, Academic Medical Center
Classification: Pathogenic. Review status: no assertion criteria provided. Collection method: clinical testing. Allele origin: germline. Affected: yes. Study: VKGL Data-share Consensus. Not counted in ClinVar's aggregate classification.

Diagnostic Laboratory, Department of Genetics, University Medical Center Groningen
Classification: Pathogenic. Review status: no assertion criteria provided. Collection method: clinical testing. Allele origin: germline. Affected: yes. Study: VKGL Data-share Consensus. Not counted in ClinVar's aggregate classification.

Joint Genome Diagnostic Labs from Nijmegen and Maastricht, Radboudumc and MUMC+
Classification: Pathogenic. Review status: no assertion criteria provided. Collection method: clinical testing. Allele origin: germline. Affected: yes. Study: VKGL Data-share Consensus. Not counted in ClinVar's aggregate classification.

Literature cited by the submitters: PubMed 11106718 (cited by 10 submitters); PubMed 20978592 (cited by 10 submitters); PubMed 11773635 (cited by 8 submitters); PubMed 12186860 (cited by 6 submitters); PubMed 12923187 (cited by 8 submitters); PubMed 15623536 (cited by 7 submitters); PubMed 15923195 (cited by 6 submitters); PubMed 17932326 (cited by 3 submitters); PubMed 20079745 (cited by 6 submitters); PubMed 22675533 (cited by 6 submitters); PubMed 23383212 (cited by 5 submitters); PubMed 23539503 (cited by 5 submitters); PubMed 23663841 (cited by 4 submitters); PubMed 27532257 (cited by 4 submitters); PubMed 11862580 (cited by 8 submitters); PubMed 1186258 (cited by 3billion); PubMed 14654368 (cited by Mayo Clinic Laboratories, Mayo Clinic and Women's Health and Genetics/Laboratory Corporation of America, LabCorp); PubMed 15542288 (cited by 9 submitters); PubMed 17556660 (cited by 4 submitters); PubMed 20031601 (cited by 5 submitters); PubMed 28436080 (cited by Mayo Clinic Laboratories, Mayo Clinic); PubMed 29212898 (cited by 3 submitters); PubMed 29447731 (cited by Mayo Clinic Laboratories, Mayo Clinic); PubMed 31112419 (cited by Mayo Clinic Laboratories, Mayo Clinic); PubMed 34298581 (cited by Mayo Clinic Laboratories, Mayo Clinic); PubMed 14567970 (cited by 3 submitters); PubMed 22949430 (cited by 3 submitters); PubMed 24503780 (cited by 3 submitters); PubMed 25179549 (cited by 3 submitters); PubMed 31568572 (cited by 3 submitters); PubMed 34011823 (cited by Color Diagnostics, LLC DBA Color Health); PubMed 37342443 (cited by Color Diagnostics, LLC DBA Color Health); PubMed 38612618 (cited by Color Diagnostics, LLC DBA Color Health); PubMed 18612386 (cited by 3 submitters); PubMed 26507537 (cited by Victorian Clinical Genetics Services, Murdoch Childrens Research Institute); PubMed 32098556 (cited by Victorian Clinical Genetics Services, Murdoch Childrens Research Institute); PubMed 33025817 (cited by Victorian Clinical Genetics Services, Murdoch Childrens Research Institute); PubMed 19412328 (cited by Ambry Genetics and Women's Health and Genetics/Laboratory Corporation of America, LabCorp); PubMed 31333075 (cited by Klaassen Lab, Charite University Medicine Berlin); PubMed 18056765 (cited by Women's Health and Genetics/Laboratory Corporation of America, LabCorp); PubMed 8088824 (cited by OMIM).